The following is an entry in ClinVar:

NM_001384950.1(NLRC5):c.4500-121G>A

Gene: NLRC5 (NLR family CARD domain containing 5; plus strand). Cytogenetic location: 16q13.
Variant type: single nucleotide variant.
Coding change: c.4500-121G>A on transcript NM_001384950.1 (MANE Select); 121 bases into the intron before coding-DNA position 4500, G replaced by A.
Molecular consequence: intron variant.
Genome position (GRCh38, 1-based): chr16:57,069,715, G>A. VCF-style: chr16-57069715-G-A. GRCh37 (hg19) VCF-style: chr16-57103627-G-A.
Other names: c.4416-121G>A (NM_001384954.1); c.4497-121G>A (NM_001384953.1, NM_001384952.1); c.4410-121G>A (NM_001384957.1); c.4413-121G>A (NM_001384956.1, NM_001384951.1, NM_001384955.1 and 1 more transcripts); c.4323-121G>A (NM_001384959.1, NM_001384960.1); c.4500-121G>A (NM_032206.5); c.4326-121G>A (NM_001384958.1).
Identifiers: ClinVar variation 103197 (VCV000103197.2), dbSNP rs199476009, ClinGen allele CA230246.

ClinVar aggregate classification (germline): not provided (0 of 4 stars; one submission).

Allele frequency attached by ClinVar (database versions not stated): gnomAD 0.00001.

Submission:

Human Evolutionary Genetics, Institut Pasteur
No classification provided. Review status: no classification provided. Collection method: not provided. Allele origin: germline.
ClinVar note: Converted during submission from untested to not provided.